The following is an entry in ClinVar:

NM_004260.4(RECQL4):c.2395G>C (p.Val799Leu)

Gene: RECQL4 (RecQ like helicase 4; minus strand). Cytogenetic location: 8q24.3.
Variant type: single nucleotide variant.
Coding change: c.2395G>C on transcript NM_004260.4 (MANE Select); coding-DNA position 2395, G replaced by C.
Protein change: p.Val799Leu; replaces valine 799 with leucine.
Molecular consequence: missense variant.
Genome position (GRCh38, 1-based): chr8:144,513,286, C>G on the plus strand (G>C on the coding strand, the complement: RECQL4 is on the minus strand). VCF-style: chr8-144513286-C-G. GRCh37 (hg19) VCF-style: chr8-145738669-C-G.
Other names: c.2044G>C, p.Val682Leu (NM_001413029.1); c.1258G>C, p.Val420Leu (NM_001413030.1, NM_001413032.1, NM_001413041.1 and 1 more transcripts); c.1126G>C, p.Val376Leu (NM_001413031.1); c.2263G>C, p.Val755Leu (NM_001413033.1); c.1324G>C, p.Val442Leu (NM_001413034.1, NM_001413035.1, NM_001413040.1 and 5 more transcripts); c.2395G>C, p.Val799Leu (NM_001413036.1, NM_001413019.1); c.1192G>C, p.Val398Leu (NM_001413037.1); c.2365G>C, p.Val789Leu (NM_001413039.1); and 4 more; short protein forms V310L, V376L, V398L, V420L, V432L, V442L, V682L, V755L.
Identifiers: ClinVar variation 2415213 (VCV002415213.6), dbSNP rs34293591, ClinGen allele CA372678212.

ClinVar aggregate classification (germline): Uncertain significance (1 of 4 stars; one submission).

Conditions:
Baller-Gerold syndrome (BGS). Also called: CRANIOSYNOSTOSIS WITH RADIAL DEFECTS. Identifiers: Orphanet 1225, MedGen C0265308, MONDO:0009039, OMIM 218600.

Submission:

Labcorp Genetics (formerly Invitae), Labcorp
Classification: Uncertain significance for Baller-Gerold syndrome. Last evaluated: 2022-05-14. Review status: criteria provided, single submitter. Criteria: Invitae Variant Classification Sherloc (09022015). Collection method: clinical testing. Allele origin: germline.
Comment: In summary, the available evidence is currently insufficient to determine the role of this variant in disease. Therefore, it has been classified as a Variant of Uncertain Significance. Experimental studies and prediction algorithms are not available or were not evaluated, and the functional significance of this variant is currently unknown. This variant has not been reported in the literature in individuals affected with RECQL4-related conditions. This variant is present in population databases (no rsID available, gnomAD 0.01%). This sequence change replaces valine, which is neutral and non-polar, with leucine, which is neutral and non-polar, at codon 799 of the RECQL4 protein (p.Val799Leu).